The following is an entry in ClinVar:

NM_012186.3(FOXE3):c.208G>C (p.Gly70Arg)

Genes: FOXE3 (forkhead box E3; plus strand), LINC01389 (long independently transcribed non-coding RNA 1389; minus strand). Cytogenetic location: 1p33.
Variant type: single nucleotide variant.
Coding change: c.208G>C on transcript NM_012186.3 (MANE Select); coding-DNA position 208, G replaced by C.
Protein change: p.Gly70Arg; replaces glycine 70 with arginine.
Molecular consequence: missense variant.
Genome position (GRCh38, 1-based): chr1:47,416,523, G>C. VCF-style: chr1-47416523-G-C. GRCh37 (hg19) VCF-style: chr1-47882195-G-C.
Other names: short protein forms G70R.
Identifiers: ClinVar variation 3750074 (VCV003750074.2).

ClinVar aggregate classification (germline): Uncertain significance (1 of 4 stars; one submission).

Conditions:
Congenital primary aphakia. Also called: Anterior segment dysgenesis 2, multiple subtypes; ANTERIOR SEGMENT DYSGENESIS 2. Identifiers: Orphanet 83461, MedGen C1853230, MONDO:0012456, OMIM 610256.
Anterior segment dysgenesis. Also called: Ocular anterior segment dysgenesis. Identifiers: Orphanet 88632, MedGen C1862839, MONDO:0019503, HP:0007700.

Submission:

Labcorp Genetics (formerly Invitae), Labcorp
Classification: Uncertain significance for Anterior segment dysgenesis; Congenital primary aphakia. Last evaluated: 2024-05-26. Review status: criteria provided, single submitter. Criteria: Invitae Variant Classification Sherloc (09022015). Collection method: clinical testing. Allele origin: germline.
Comment: This sequence change replaces glycine, which is neutral and non-polar, with arginine, which is basic and polar, at codon 70 of the FOXE3 protein (p.Gly70Arg). This variant is not present in population databases (gnomAD no frequency). This variant has not been reported in the literature in individuals affected with FOXE3-related conditions. Advanced modeling of protein sequence and biophysical properties (such as structural, functional, and spatial information, amino acid conservation, physicochemical variation, residue mobility, and thermodynamic stability) has been performed at Invitae for this missense variant, however the output from this modeling did not meet the statistical confidence thresholds required to predict the impact of this variant on FOXE3 protein function. In summary, the available evidence is currently insufficient to determine the role of this variant in disease. Therefore, it has been classified as a Variant of Uncertain Significance.